The following is an entry in ClinVar:

ClinVar aggregate classification (germline): Uncertain significance (0 of 4 stars; one submission).

Conditions:
PCNT-related disorder. Also called: PCNT-related condition.

Submission:

PreventionGenetics, part of Exact Sciences
Classification: Uncertain significance for PCNT-related condition. Last evaluated: 2024-08-30. Review status: no assertion criteria provided. Collection method: clinical testing. Allele origin: germline.
Comment: The PCNT c.8509_8511delAAG variant is predicted to result in an in-frame deletion (p.Lys2837del). To our knowledge, this variant has not been reported in the literature. This variant is reported in 0.00088% of alleles in individuals of European (Non-Finnish) descent in gnomAD. At this time, the clinical significance of this variant is uncertain due to the absence of conclusive functional and genetic evidence.

NM_006031.6(PCNT):c.8509_8511del (p.Lys2837del)

Gene: PCNT (pericentrin; plus strand). Cytogenetic location: 21q22.3.
Variant type: Deletion.
Coding change: c.8509_8511del on transcript NM_006031.6 (MANE Select); coding-DNA positions 8509 to 8511, 3 bases deleted (AAG; older notation c.8509_8511delAAG).
Protein change: p.Lys2837del; deletes lysine 2837.
Molecular consequence: inframe deletion.
Genome position (GRCh38, 1-based): chr21:46,431,973-46,431,975, AAG deleted; deleting any 3 consecutive bases within chr21:46,431,971-46,431,975 gives the same sequence; the c. name uses the placement nearest the transcript's 3' end. VCF-style (leftmost placement, unchanged base first): chr21-46431970-GAGA-G. GRCh37 (hg19) VCF-style: chr21-47851884-GAGA-G.
Other names: c.8155_8157del, p.Lys2719del (NM_001315529.2); short protein forms K2719del, K2837del.
Identifiers: ClinVar variation 3352901 (VCV003352901.1).